The following is an entry in ClinVar:

NM_004370.6(COL12A1):c.5519A>C (p.Lys1840Thr)

Gene: COL12A1 (collagen type XII alpha 1 chain; minus strand). Cytogenetic location: 6q13.
Variant type: single nucleotide variant.
Coding change: c.5519A>C on transcript NM_004370.6 (MANE Select); coding-DNA position 5519, A replaced by C.
Protein change: p.Lys1840Thr; replaces lysine 1840 with threonine.
Molecular consequence: missense variant.
Genome position (GRCh38, 1-based): chr6:75,134,731, T>G on the plus strand (A>C on the coding strand, the complement: COL12A1 is on the minus strand). VCF-style: chr6-75134731-T-G. GRCh37 (hg19) VCF-style: chr6-75844447-T-G.
Other names: c.2027A>C, p.Lys676Thr (NM_080645.3); short protein forms K1840T, K676T.
Identifiers: ClinVar variation 2112243 (VCV002112243.4), dbSNP rs2533294685, ClinGen allele CA364736083.

ClinVar aggregate classification (germline): Uncertain significance (1 of 4 stars; one submission).

Conditions:
Ullrich congenital muscular dystrophy 2 (UCMD2). Identifiers: Orphanet 75840, MedGen C4225314, MONDO:0014654, OMIM 616470.
Bethlem myopathy 2 (BTHLM2). Identifiers: Orphanet 536516, Orphanet 610, MedGen C4225313, MONDO:0034022, OMIM 616471.

Submission:

Labcorp Genetics (formerly Invitae), Labcorp
Classification: Uncertain significance for Bethlem myopathy 2; Ullrich congenital muscular dystrophy 2. Last evaluated: 2022-04-01. Review status: criteria provided, single submitter. Criteria: Invitae Variant Classification Sherloc (09022015). Collection method: clinical testing. Allele origin: germline.
Comment: This sequence change replaces lysine, which is basic and polar, with threonine, which is neutral and polar, at codon 1840 of the COL12A1 protein (p.Lys1840Thr). This variant is not present in population databases (gnomAD no frequency). This variant has not been reported in the literature in individuals affected with COL12A1-related conditions. Algorithms developed to predict the effect of missense changes on protein structure and function are either unavailable or do not agree on the potential impact of this missense change (SIFT: "Deleterious"; PolyPhen-2: "Possibly Damaging"; Align-GVGD: "Class C0"). In summary, the available evidence is currently insufficient to determine the role of this variant in disease. Therefore, it has been classified as a Variant of Uncertain Significance.